The following is an entry in ClinVar:

ClinVar aggregate classification (germline): Uncertain significance. Review status: criteria provided, multiple submitters, no conflicts (2 of 4 stars). 2 submissions from 2 submitters: Uncertain significance (2). Last evaluated 2022-12-28.

Allele frequency attached by ClinVar (database versions not stated): ExAC 0.00001; gnomAD 0.00002; 1000 Genomes Project 30x 0.00016; 1000 Genomes Project 0.00020.
gnomAD v4.1: 15 of 1,613,516 alleles (0.00093%); highest among the groups gnomAD compares: African/African-American, 0.0053%; no homozygotes.

Submissions (2):

Ambry Genetics
Classification: Uncertain significance. Last evaluated: 2022-12-28. Review status: criteria provided, single submitter. Criteria: Ambry Variant Classification Scheme 2023. Collection method: clinical testing. Allele origin: germline.

Labcorp Genetics (formerly Invitae), Labcorp
Classification: Uncertain significance. Last evaluated: 2022-09-22. Review status: criteria provided, single submitter. Criteria: Invitae Variant Classification Sherloc (09022015). Collection method: clinical testing. Allele origin: germline.
Comment: This sequence change replaces arginine, which is basic and polar, with glutamine, which is neutral and polar, at codon 1594 of the TOP2B protein (p.Arg1594Gln). In summary, the available evidence is currently insufficient to determine the role of this variant in disease. Therefore, it has been classified as a Variant of Uncertain Significance. Algorithms developed to predict the effect of missense changes on protein structure and function are either unavailable or do not agree on the potential impact of this missense change (SIFT: "Deleterious"; PolyPhen-2: "Possibly Damaging"; Align-GVGD: "Class C0"). This variant has not been reported in the literature in individuals affected with TOP2B-related conditions. This variant is present in population databases (rs184041688, gnomAD 0.004%).

NM_001330700.2(TOP2B):c.4796G>A (p.Arg1599Gln)

Gene: TOP2B (DNA topoisomerase II beta; minus strand). Cytogenetic location: 3p24.2.
Variant type: single nucleotide variant.
Coding change: c.4796G>A on transcript NM_001330700.2 (MANE Select); coding-DNA position 4796, G replaced by A.
Protein change: p.Arg1599Gln; replaces arginine 1599 with glutamine.
Molecular consequence: missense variant.
Genome position (GRCh38, 1-based): chr3:25,598,392, C>T on the plus strand (G>A on the coding strand, the complement: TOP2B is on the minus strand). VCF-style: chr3-25598392-C-T. GRCh37 (hg19) VCF-style: chr3-25639883-C-T.
Other names: c.4781G>A, p.Arg1594Gln (NM_001068.3); short protein forms R1594Q, R1599Q.
Identifiers: ClinVar variation 1925766 (VCV001925766.6), dbSNP rs184041688, ClinGen allele CA2287967.